The following is an entry in ClinVar:

NM_015202.5(KATNIP):c.243A>G (p.Lys81=)

Gene: KATNIP (katanin interacting protein; plus strand). Cytogenetic location: 16p12.1.
Variant type: single nucleotide variant.
Coding change: c.243A>G on transcript NM_015202.5 (MANE Select); coding-DNA position 243, A replaced by G.
Protein change: p.Lys81=; no amino-acid change (lysine 81 retained).
Molecular consequence: synonymous variant.
Genome position (GRCh38, 1-based): chr16:27,628,763, A>G. VCF-style: chr16-27628763-A-G. GRCh37 (hg19) VCF-style: chr16-27640084-A-G.
Identifiers: ClinVar variation 3341879 (VCV003341879.16).

ClinVar aggregate classification (germline): Likely benign (1 of 4 stars; one submission).

gnomAD v4.1: 29 of 1,614,112 alleles (0.0018%); highest among the groups gnomAD compares: Non-Finnish European, 0.0021%; no homozygotes.

Submission:

CeGaT Center for Human Genetics Tuebingen
Classification: Likely benign. Last evaluated: 2024-08-01. Review status: criteria provided, single submitter. Criteria: CeGaT Center For Human Genetics Tuebingen Variant Classification Criteria Version 2. Collection method: clinical testing. Allele origin: germline. Affected: yes. Observed: 1 variant allele.
Comment: KATNIP: BP4, BP7